The following is an entry in ClinVar:

ClinVar aggregate classification (germline): Uncertain significance (1 of 4 stars; one submission).

gnomAD v4.1: 2 of 1,613,618 alleles (0.00012%); highest among the groups gnomAD compares: Non-Finnish European, 0.00017%; no homozygotes.

Submission:

GeneDx
Classification: Uncertain significance. Last evaluated: 2025-11-10. Review status: criteria provided, single submitter. Criteria: GeneDx Variant Classification Process June 2021. Collection method: clinical testing. Allele origin: germline.
Comment: Not observed at significant frequency in large population cohorts (gnomAD); In silico analysis supports that this missense variant does not alter protein structure/function; Has not been previously published as pathogenic or benign to our knowledge

NM_004366.6(CLCN2):c.2328G>T (p.Glu776Asp)

Gene: CLCN2 (chloride voltage-gated channel 2; minus strand). Cytogenetic location: 3q27.1.
Variant type: single nucleotide variant.
Coding change: c.2328G>T on transcript NM_004366.6 (MANE Select); coding-DNA position 2328, G replaced by T.
Protein change: p.Glu776Asp; replaces glutamic acid 776 with aspartic acid.
Molecular consequence: missense variant.
Genome position (GRCh38, 1-based): chr3:184,352,100, C>A on the plus strand (G>T on the coding strand, the complement: CLCN2 is on the minus strand). VCF-style: chr3-184352100-C-A. GRCh37 (hg19) VCF-style: chr3-184069888-C-A.
Other names: c.2277G>T, p.Glu759Asp (NM_001171087.3); c.2196G>T, p.Glu732Asp (NM_001171088.3); c.2328G>T, p.Glu776Asp (NM_001171089.3); short protein forms E732D, E759D, E776D.
Identifiers: ClinVar variation 3369627 (VCV003369627.2).